The following is an entry in ClinVar:

NM_001110556.2(FLNA):c.3234G>C (p.Gln1078His)

Gene: FLNA (filamin A; minus strand). Cytogenetic location: Xq28.
Variant type: single nucleotide variant.
Coding change: c.3234G>C on transcript NM_001110556.2 (MANE Select); coding-DNA position 3234, G replaced by C.
Protein change: p.Gln1078His; replaces glutamine 1078 with histidine.
Molecular consequence: missense variant.
Genome position (GRCh38, 1-based): chrX:154,360,561, C>G on the plus strand (G>C on the coding strand, the complement: FLNA is on the minus strand). VCF-style: chrX-154360561-C-G. GRCh37 (hg19) VCF-style: chrX-153588929-C-G.
Other names: c.3234G>C, p.Gln1078His (NM_001456.4); short protein forms Q1078H.
Identifiers: ClinVar variation 589394 (VCV000589394.5), dbSNP rs1569551691, ClinGen allele CA415229351.
Genomic context (GRCh38, chrX:154,360,561, plus strand): 5'-ACCTGTGCCGGCGCCCTTGGTGTCGATGGTGAAGCGGGCGGGGGAGCCCGCACTGCCTCC[C>G]TGCAGCCCCGGCCCAAACGCCTTCACCTGAGGGAAGAAGGGGTCAGGAGCCAAGGCCACA-3'
Protein context (NP_001104026.1, residues 1068-1088): SKVKAFGPGL[Gln1078His]GGSAGSPARF

ClinVar aggregate classification (germline): Uncertain significance (1 of 4 stars; one submission).

Conditions:
Familial thoracic aortic aneurysm and aortic dissection (TAAD). Also called: Thoracic aortic aneurysms and dissections. Identifiers: Orphanet 91387, MedGen C4707243, MONDO:0019625.

Submission:

Ambry Genetics
Classification: Uncertain significance for Familial thoracic aortic aneurysm and aortic dissection. Last evaluated: 2016-09-16. Review status: criteria provided, single submitter. Criteria: Ambry Variant Classification Scheme 2023. Collection method: clinical testing. Allele origin: germline.
Comment: The p.Q1078H variant (also known as c.3234G>C), located in coding exon 21 of the FLNA gene, results from a G to C substitution at nucleotide position 3234. The glutamine at codon 1078 is replaced by histidine, an amino acid with highly similar properties. This variant was not reported in population based cohorts in the following databases: Database of Single Nucleotide Polymorphisms (dbSNP), NHLBI Exome Sequencing Project (ESP), and 1000 Genomes Project. In the ESP, this variant was not observed in 6102 samples with coverage at this position. This amino acid position is not well conserved in available vertebrate species. In addition, this alteration is predicted to be tolerated by in silico analysis. Since supporting evidence is limited at this time, the clinical significance of this alteration remains unclear.